The following is an entry in ClinVar:

NM_007294.4(BRCA1):c.3755T>C (p.Leu1252Pro)

Genes: BRCA1 (BRCA1 DNA repair associated; minus strand), LOC126862571 (BRD4-independent group 4 enhancer GRCh37_chr17:41243136-41244335; plus strand). Cytogenetic location: 17q21.31.
Variant type: single nucleotide variant.
Coding change: c.3755T>C on transcript NM_007294.4 (MANE Select); coding-DNA position 3755, T replaced by C.
Protein change: p.Leu1252Pro; replaces leucine 1252 with proline.
Molecular consequence: missense variant. On other transcripts: intron variant (135).
Genome position (GRCh38, 1-based): chr17:43,091,776, A>G on the plus strand (T>C on the coding strand, the complement: BRCA1 is on the minus strand). VCF-style: chr17-43091776-A-G. GRCh37 (hg19) VCF-style: chr17-41243793-A-G.
Other names: c.3752T>C, p.Leu1251Pro (NM_001407612.1, NM_001407613.1, NM_001407614.1 and 22 more transcripts); c.788-744T>C (NM_001408404.1, NM_001408472.1, NM_001407990.1 and 17 more transcripts); c.578-744T>C (NM_001408492.1, NM_001408513.1, NM_001408489.1 and 9 more transcripts); c.644-744T>C (NM_001408468.1, NM_001408465.1, NM_001408463.1 and 3 more transcripts); c.524-744T>C (NM_001408501.1, NM_001408500.1, NM_001408497.1 and 3 more transcripts); c.647-744T>C (NM_001408455.1, NM_001408457.1, NM_001408466.1 and 11 more transcripts); c.521-744T>C (NM_001408503.1, NM_001408505.1, NM_001408504.1); c.461-744T>C (NM_001408507.1, NM_001408506.1); and 41 more; short protein forms L1252P, L1205P, L1084P, L1125P, L1163P, L1182P, L1249P, L1124P.
Identifiers: ClinVar variation 479202 (VCV000479202.8), dbSNP rs1555587147, ClinGen allele CA10594462.

ClinVar aggregate classification (germline): Conflicting classifications of pathogenicity. Review status: criteria provided, conflicting classifications (1 of 4 stars). 2 submissions from 2 submitters: Uncertain significance (1); Likely benign (1). Last evaluated 2023-03-23.

Conditions:
Hereditary cancer-predisposing syndrome. Also called: Neoplastic Syndromes, Hereditary; Hereditary Cancer Syndrome; Hereditary neoplastic syndrome; Tumor predisposition. Identifiers: Orphanet 140162, MedGen C0027672, MeSH D009386, MONDO:0015356.

Submissions (2):

University of Washington Department of Laboratory Medicine, University of Washington
Classification: Likely benign for Hereditary cancer-predisposing syndrome. Last evaluated: 2023-03-23. Review status: criteria provided, single submitter. Criteria: Dines et al. (Genet Med. 2020). Collection method: curation. Allele origin: germline.
Comment: Missense variant in a coldspot region where missense variants are very unlikely to be pathogenic (PMID:31911673).

BRCA1 coldspot (exon 11 using historical exon numbering). Reclassification based on statistical prior probability

Ambry Genetics
Classification: Uncertain significance for Hereditary cancer-predisposing syndrome. Last evaluated: 2016-03-02. Review status: criteria provided, single submitter. Criteria: Ambry Variant Classification Scheme 2023. Collection method: clinical testing. Allele origin: germline.
Comment: The p.L1252P variant (also known as c.3755T>C), located in coding exon 9 of the BRCA1 gene, results from a T to C substitution at nucleotide position 3755. The leucine at codon 1252 is replaced by proline, an amino acid with similar properties. While this exact alteration has not been reported in the literature, an alteration at the same codon, p.L1252V, has been reported in 3 of 463 breast cancer patients and 0 of 30 healthy women from a southern Chinese cohort (Sun L et al, Int J Clin Exp Pathol 2014 ; 7(9):6262-9).This variant was not reported in population based cohorts in the following databases: Database of Single Nucleotide Polymorphisms (dbSNP), NHLBI Exome Sequencing Project (ESP), and 1000 Genomes Project. In the ESP, this variant was not observed in 6503 samples (13006 alleles) with coverage at this position. To date, this alteration has been detected with an allele frequency of approximately 0.0004% (greater than 225000 alleles tested) in our clinical cohort. This amino acid position is not well conserved in available vertebrate species. In addition, the in silico prediction for this alteration is inconclusive. Since supporting evidence is limited at this time, the clinical significance of this alteration remains unclear.

Literature cited by the submitters: PubMed 25337278 (cited by Ambry Genetics).